The following is an entry in ClinVar:

NM_001164508.2(NEB):c.8677C>T (p.Gln2893Ter)

Gene: NEB (nebulin; minus strand). Cytogenetic location: 2q23.3.
Variant type: single nucleotide variant.
Coding change: c.8677C>T on transcript NM_001164508.2 (MANE Select); coding-DNA position 8677, C replaced by T.
Protein change: p.Gln2893Ter; replaces glutamine 2893 with a stop codon.
Molecular consequence: nonsense.
Genome position (GRCh38, 1-based): chr2:151,640,363, G>A on the plus strand (C>T on the coding strand, the complement: NEB is on the minus strand). VCF-style: chr2-151640363-G-A. GRCh37 (hg19) VCF-style: chr2-152496877-G-A.
Other names: c.8677C>T, p.Gln2893Ter (NM_001164507.2, NM_001271208.2, NM_004543.5); short protein forms Q2893*.
Identifiers: ClinVar variation 5012973 (VCV005012973.1).

ClinVar aggregate classification (germline): Pathogenic (1 of 4 stars; one submission).

Conditions:
Nemaline myopathy 2 (NEM2). Also called: Nemaline myopathy 2, autosomal recessive. Identifiers: MedGen C1850569, MONDO:0009725, OMIM 256030.

Submission:

Myriad Genetics, Inc.
Classification: Pathogenic for Nemaline myopathy 2. Last evaluated: 2024-05-07. Review status: criteria provided, single submitter. Criteria: Myriad Autosomal Dominant, Autosomal Recessive and X-Linked Classification Criteria (2023). Collection method: clinical testing. Allele origin: unknown.
Comment: NM_001271208.1(NEB):c.8677C>T(Q2893*) is expected to be pathogenic in the context of NEB-related nemaline myopathy. This variant is predicted to lead to an abnormal or absent protein product due to the creation of a premature termination codon in NEB, a gene where loss-of-function variants are known to be pathogenic. Please note: this variant was assessed in the context of healthy population screening.